The following is an entry in ClinVar:

NM_201384.3(PLEC):c.2457+1G>A

Gene: PLEC (plectin; minus strand). Cytogenetic location: 8q24.3.
Variant type: single nucleotide variant.
Coding change: c.2457+1G>A on transcript NM_201384.3 (MANE Select); the canonical splice donor site of the intron after coding-DNA position 2457, G replaced by A.
Molecular consequence: splice donor variant.
Genome position (GRCh38, 1-based): chr8:143,930,383, C>T on the plus strand (G>A on the coding strand, the complement: PLEC is on the minus strand). VCF-style: chr8-143930383-C-T. GRCh37 (hg19) VCF-style: chr8-145004551-C-T.
Other names: c.2538+1G>A (NM_001410941.1, NM_000445.5); c.2415+1G>A (NM_201378.4); c.2391+1G>A (NM_201379.3); c.2868+1G>A (NM_201380.4); c.2361+1G>A (NM_201381.3); c.2457+1G>A (NM_201382.4); c.2469+1G>A (NM_201383.3).
Identifiers: ClinVar variation 2146833 (VCV002146833.4), dbSNP rs368904034, ClinGen allele CA187619392.
Genomic context (GRCh38, chr8:143,930,383, plus strand): 5'-ACATGGCCACACCCTGCCCTGCCTGGCCACGCCCCCCAGTGGACCCCCGGCCTGCGCTCA[C>T]CTCCACCTGCTTATAGTCGCACACGGCCAGCAGGGGCAGGCGGCCCCGCATGGGGTGGGC-3'

ClinVar aggregate classification (germline): Likely pathogenic (1 of 4 stars; one submission).

Conditions:
Epidermolysis bullosa simplex 5B, with muscular dystrophy (EBS5B). Also called: EPIDERMOLYSIS BULLOSA SIMPLEX AND LIMB-GIRDLE MUSCULAR DYSTROPHY; Epidermolysis bullosa simplex with muscular dystrophy. Identifiers: Orphanet 257, MedGen C2931072, MONDO:0009181, OMIM 226670.
Epidermolysis bullosa simplex, Ogna type (EBS5A). Also called: Pidermolysis bullosa simplex 5A, Ogna type; EPIDERMOLYSIS BULLOSA SIMPLEX 5A, OGNA TYPE. Identifiers: Orphanet 79401, MedGen C0432317, MONDO:0007555, OMIM 131950.
Epidermolysis bullosa simplex 5C, with pyloric atresia (EBS5C). Also called: PLEC-Related Epidermolysis Bullosa with Pyloric Atresia; Epidermolysis bullosa simplex with pyloric atresia; PLEC1-Related Epidermolysis Bullosa with Pyloric Atresia. Identifiers: Orphanet 158684, MedGen C2677349, MONDO:0012807, OMIM 612138.
Autosomal recessive limb-girdle muscular dystrophy type 2Q (LGMDR17). Also called: MUSCULAR DYSTROPHY, LIMB-GIRDLE, AUTOSOMAL RECESSIVE 17. Identifiers: Orphanet 254361, MedGen C3150989, MONDO:0013390, OMIM 613723.
Epidermolysis bullosa simplex with nail dystrophy (EBS5D). Identifiers: MedGen C4225309, MONDO:0014661, OMIM 616487.

gnomAD v4.1: 2 of 1,571,724 alleles (0.00013%); no homozygotes.

Submission:

Labcorp Genetics (formerly Invitae), Labcorp
Classification: Likely pathogenic for Autosomal recessive limb-girdle muscular dystrophy type 2Q; Epidermolysis bullosa simplex, Ogna type; Epidermolysis bullosa simplex with nail dystrophy; Epidermolysis bullosa simplex 5C, with pyloric atresia; Epidermolysis bullosa simplex 5B, with muscular dystrophy. Last evaluated: 2023-03-08. Review status: criteria provided, single submitter. Criteria: Invitae Variant Classification Sherloc (09022015). Collection method: clinical testing. Allele origin: germline.
Comment: This variant is not present in population databases (gnomAD no frequency). This sequence change affects a donor splice site in intron 21 of the PLEC gene. It is expected to disrupt RNA splicing. Variants that disrupt the donor or acceptor splice site typically lead to a loss of protein function (PMID: 16199547), and loss-of-function variants in PLEC are known to be pathogenic (PMID: 20301336, 20447487, 21109228, 23289980, 28824526). This variant has not been reported in the literature in individuals affected with PLEC-related conditions. In summary, the currently available evidence indicates that the variant is pathogenic, but additional data are needed to prove that conclusively. Therefore, this variant has been classified as Likely Pathogenic. Algorithms developed to predict the effect of sequence changes on RNA splicing suggest that this variant may disrupt the consensus splice site. ClinVar contains an entry for this variant (Variation ID: 2146833).

Literature cited by the submitters: PubMed 16199547; PubMed 20301336; PubMed 20447487; PubMed 21109228; PubMed 23289980; PubMed 28824526.